The following is an entry in ClinVar:

ClinVar aggregate classification (germline): Uncertain significance. Review status: criteria provided, multiple submitters, no conflicts (2 of 4 stars). 3 submissions from 3 submitters: Uncertain significance (2). 1 of the submissions does not count toward it. Last evaluated 2025-12-22.

Conditions:
Dyskeratosis congenita, autosomal recessive 5 (DKCB5). Identifiers: MedGen C3554656, MONDO:0014076, OMIM 615190.
Pulmonary fibrosis and/or bone marrow failure, Telomere-related, 3. Also called: PULMONARY FIBROSIS AND/OR BONE MARROW FAILURE SYNDROME, TELOMERE-RELATED, 3. Identifiers: Orphanet 2032, MedGen C4225346, MONDO:0014613, OMIM 616373.
Dyskeratosis congenita. Identifiers: Orphanet 1775, MedGen C0265965, MONDO:0015780.

Allele frequency attached by ClinVar (database versions not stated): gnomAD 0.00001; gnomAD exomes 0.00002 and 0.00010; TOPMed 0.00005; ExAC 0.00013.
gnomAD v4.1: 31 of 1,612,390 alleles (0.0019%); highest among the groups gnomAD compares: Admixed American, 0.047%; no homozygotes.

Submissions (3):

Labcorp Genetics (formerly Invitae), Labcorp
Classification: Uncertain significance for Dyskeratosis congenita, autosomal recessive 5; Pulmonary fibrosis and/or bone marrow failure, Telomere-related, 3. Last evaluated: 2025-12-22. Review status: criteria provided, single submitter. Criteria: Invitae Variant Classification Sherloc (09022015). Collection method: clinical testing. Allele origin: germline.
Comment: This sequence change replaces aspartic acid, which is acidic and polar, with asparagine, which is neutral and polar, at codon 428 of the RTEL1 protein (p.Asp428Asn). This variant is present in population databases (rs758640195, gnomAD 0.07%). This variant has not been reported in the literature in individuals affected with RTEL1-related conditions. This variant is also known as p.Asp452Asn. ClinVar contains an entry for this variant (Variation ID: 1041335). An algorithm developed to predict the effect of missense changes on protein structure and function (PolyPhen-2) suggests that this variant is likely to be disruptive. In summary, the available evidence is currently insufficient to determine the role of this variant in disease. Therefore, it has been classified as a Variant of Uncertain Significance.

Fulgent Genetics
Classification: Uncertain significance for Dyskeratosis congenita, autosomal recessive 5; Pulmonary fibrosis and/or bone marrow failure, Telomere-related, 3. Last evaluated: 2024-05-21. Review status: criteria provided, single submitter. Criteria: ACMG Guidelines, 2015. Collection method: clinical testing. Allele origin: germline.

Natera, Inc.
Classification: Uncertain significance for Dyskeratosis congenita. Last evaluated: 2020-01-04. Review status: no assertion criteria provided. Collection method: clinical testing. Allele origin: germline. Not counted in ClinVar's aggregate classification.

NM_001283009.2(RTEL1):c.1282G>A (p.Asp428Asn)

Genes: RTEL1-TNFRSF6B (RTEL1-TNFRSF6B readthrough (NMD candidate); plus strand), RTEL1 (regulator of telomere elongation helicase 1; plus strand). Cytogenetic location: 20q13.33.
Variant type: single nucleotide variant.
Coding change: c.1282G>A on transcript NM_001283009.2 (MANE Select); coding-DNA position 1282, G replaced by A.
Protein change: p.Asp428Asn; replaces aspartic acid 428 with asparagine.
Molecular consequence: missense variant. On other transcripts: non-coding transcript variant (1).
Genome position (GRCh38, 1-based): chr20:63,685,806, G>A. VCF-style: chr20-63685806-G-A. GRCh37 (hg19) VCF-style: chr20-62317159-G-A.
Other names: c.613G>A, p.Asp205Asn (NM_001283010.1); c.1282G>A, p.Asp428Asn (NM_016434.4); c.1354G>A, p.Asp452Asn (NM_032957.5); short protein forms D205N, D428N, D452N.
Identifiers: ClinVar variation 1041335 (VCV001041335.8), dbSNP rs758640195, ClinGen allele CA9964720.